The following is an entry in ClinVar:

NM_020975.6(RET):c.2830A>C (p.Ile944Leu)

Gene: RET (ret proto-oncogene; plus strand). Cytogenetic location: 10q11.21.
Variant type: single nucleotide variant.
Coding change: c.2830A>C on transcript NM_020975.6 (MANE Select); coding-DNA position 2830, A replaced by C.
Protein change: p.Ile944Leu; replaces isoleucine 944 with leucine.
Molecular consequence: missense variant.
Genome position (GRCh38, 1-based): chr10:43,123,699, A>C. VCF-style: chr10-43123699-A-C. GRCh37 (hg19) VCF-style: chr10-43619147-A-C.
Other names: c.1381A>C, p.Ile461Leu (NM_001406792.1, NM_001406793.1, NM_001406794.1); c.2830A>C, p.Ile944Leu (NM_020630.7, NM_001406743.1, NM_001406744.1 and 2 more transcripts); c.2068A>C, p.Ile690Leu (NM_001355216.2); c.2701A>C, p.Ile901Leu (NM_001406761.1, NM_001406762.1, NM_001406764.1); c.2695A>C, p.Ile899Leu (NM_001406763.1, NM_001406765.1); c.2542A>C, p.Ile848Leu (NM_001406766.1, NM_001406767.1, NM_001406770.1); c.2566A>C, p.Ile856Leu (NM_001406768.1); c.2434A>C, p.Ile812Leu (NM_001406769.1, NM_001406772.1); and 10 more; short protein forms I600L, I614L, I702L, I899L, I901L, I509L, I549L, I645L.
Identifiers: ClinVar variation 3648608 (VCV003648608.2).

ClinVar aggregate classification (germline): Uncertain significance (1 of 4 stars; one submission).

Conditions:
Multiple endocrine neoplasia, type 2 (MEN2). Identifiers: Orphanet 653, MedGen C4048306, MONDO:0019003. Disease mechanism: gain of function.

Submission:

Labcorp Genetics (formerly Invitae), Labcorp
Classification: Uncertain significance for Multiple endocrine neoplasia, type 2. Last evaluated: 2024-04-03. Review status: criteria provided, single submitter. Criteria: Invitae Variant Classification Sherloc (09022015). Collection method: clinical testing. Allele origin: germline.
Comment: This sequence change replaces isoleucine, which is neutral and non-polar, with leucine, which is neutral and non-polar, at codon 944 of the RET protein (p.Ile944Leu). This variant is not present in population databases (gnomAD no frequency). This variant has not been reported in the literature in individuals affected with RET-related conditions. An algorithm developed to predict the effect of missense changes on protein structure and function (PolyPhen-2) suggests that this variant is likely to be disruptive. In summary, the available evidence is currently insufficient to determine the role of this variant in disease. Therefore, it has been classified as a Variant of Uncertain Significance.